The following is an entry in ClinVar:

ClinVar aggregate classification (germline): Uncertain significance. Review status: criteria provided, multiple submitters, no conflicts (2 of 4 stars). 2 submissions from 2 submitters: Uncertain significance (2). Last evaluated 2022-07-12.

Conditions:
Charcot-Marie-Tooth disease. Also called: Charcot-Marie-Tooth Neuropathy; Charcot-Marie-Tooth Hereditary Neuropathy. Identifiers: Orphanet 166, MedGen C0007959, MONDO:0015626.
Charcot-Marie-Tooth Neuropathy X. Identifiers: MedGen CN118851.

Submissions (2):

Labcorp Genetics (formerly Invitae), Labcorp
Classification: Uncertain significance for Charcot-Marie-Tooth Neuropathy X. Last evaluated: 2022-07-12. Review status: criteria provided, single submitter. Criteria: Invitae Variant Classification Sherloc (09022015). Collection method: clinical testing. Allele origin: germline.
Comment: In summary, the available evidence is currently insufficient to determine the role of this variant in disease. Therefore, it has been classified as a Variant of Uncertain Significance. Algorithms developed to predict the effect of missense changes on protein structure and function (SIFT, PolyPhen-2, Align-GVGD) all suggest that this variant is likely to be disruptive. ClinVar contains an entry for this variant (Variation ID: 840624). This variant has not been reported in the literature in individuals affected with GJB1-related conditions. This variant is not present in population databases (gnomAD no frequency). This sequence change replaces lysine, which is basic and polar, with asparagine, which is neutral and polar, at codon 167 of the GJB1 protein (p.Lys167Asn).

Molecular Genetics Laboratory, London Health Sciences Centre
Classification: Uncertain significance for Charcot-Marie-Tooth disease. Review status: criteria provided, single submitter. Criteria: ACMG Guidelines, 2015. Collection method: clinical testing. Allele origin: germline. Affected: yes.

NM_000166.6(GJB1):c.501G>T (p.Lys167Asn)

Gene: GJB1 (gap junction protein beta 1; plus strand). Cytogenetic location: Xq13.1.
Variant type: single nucleotide variant.
Coding change: c.501G>T on transcript NM_000166.6 (MANE Select); coding-DNA position 501, G replaced by T.
Protein change: p.Lys167Asn; replaces lysine 167 with asparagine.
Molecular consequence: missense variant.
Genome position (GRCh38, 1-based): chrX:71,224,208, G>T. VCF-style: chrX-71224208-G-T. GRCh37 (hg19) VCF-style: chrX-70444058-G-T.
Other names: c.501G>T, p.Lys167Asn (NM_001097642.3); short protein forms K167N.
Identifiers: ClinVar variation 840624 (VCV000840624.10), dbSNP rs766201464, ClinGen allele CA413502816.